The following is an entry in ClinVar:

ClinVar aggregate classification (germline): Uncertain significance (1 of 4 stars; one submission).

Conditions:
Immunodeficiency-centromeric instability-facial anomalies syndrome 2 (ICF2). Identifiers: Orphanet 2268, MedGen C3279748, MONDO:0013553, OMIM 614069.

Allele frequency attached by ClinVar (database versions not stated): TOPMed 0.00002; gnomAD exomes 0.00003.
gnomAD v4.1: 44 of 1,614,204 alleles (0.0027%); highest among the groups gnomAD compares: Non-Finnish European, 0.0036%; no homozygotes.

Submission:

Labcorp Genetics (formerly Invitae), Labcorp
Classification: Uncertain significance for Immunodeficiency-centromeric instability-facial anomalies syndrome 2. Last evaluated: 2024-02-12. Review status: criteria provided, single submitter. Criteria: Invitae Variant Classification Sherloc (09022015). Collection method: clinical testing. Allele origin: germline.
Comment: This sequence change replaces serine with leucine at codon 630 of the ZBTB24 protein (p.Ser630Leu). The serine residue is moderately conserved and there is a large physicochemical difference between serine and leucine. This variant is not present in population databases (gnomAD no frequency). This variant has not been reported in the literature in individuals affected with ZBTB24-related conditions. ClinVar contains an entry for this variant (Variation ID: 972591). An algorithm developed to predict the effect of missense changes on protein structure and function (PolyPhen-2) suggests that this variant¬†is likely to be tolerated. In summary, the available evidence is currently insufficient to determine the role of this variant in disease. Therefore, it has been classified as a Variant of Uncertain Significance.

NM_014797.3(ZBTB24):c.1889C>T (p.Ser630Leu)

Gene: ZBTB24 (zinc finger and BTB domain containing 24; minus strand). Cytogenetic location: 6q21.
Variant type: single nucleotide variant.
Coding change: c.1889C>T on transcript NM_014797.3 (MANE Select); coding-DNA position 1889, C replaced by T.
Protein change: p.Ser630Leu; replaces serine 630 with leucine.
Molecular consequence: missense variant.
Genome position (GRCh38, 1-based): chr6:109,466,056, G>A on the plus strand (C>T on the coding strand, the complement: ZBTB24 is on the minus strand). VCF-style: chr6-109466056-G-A. GRCh37 (hg19) VCF-style: chr6-109787259-G-A.
Other names: short protein forms S630L.
Identifiers: ClinVar variation 972591 (VCV000972591.6), dbSNP rs1776031803, ClinGen allele CA365194581.